The following is an entry in ClinVar:

ClinVar aggregate classification (germline): Uncertain significance. Review status: criteria provided, multiple submitters, no conflicts (2 of 4 stars). 5 submissions from 5 submitters: Uncertain significance (5). Last evaluated 2025-10-10.

Conditions:
Inborn genetic diseases. Identifiers: MedGen C0950123, MeSH D030342.
IFT140-related disorder. Also called: IFT140-related condition.
Retinitis pigmentosa 80 (RP80). Identifiers: MedGen C4540439, MONDO:0054708, OMIM 617781.
Saldino-Mainzer syndrome (SRTD9). Also called: short-rib thoracic dysplasia 9 with or without polydactyly; Renal dysplasia, retinal pigmentary dystrophy, cerebellar ataxia and skeletal dysplasia; CONORENAL SYNDROME; SHORT-RIB THORACIC DYSPLASIA 9 WITHOUT POLYDACTYLY. Identifiers: Orphanet 140969, MedGen C1849437, MONDO:0009964, OMIM 266920.

Allele frequency attached by ClinVar (database versions not stated): TOPMed below 0.00001; gnomAD 0.00001; gnomAD exomes 0.00001 and 0.00002; ExAC 0.00003.
gnomAD v4.1: 5 of 1,608,804 alleles (0.00031%); highest among the groups gnomAD compares: Admixed American, 0.0084%; no homozygotes.

Submissions (5):

PreventionGenetics, part of Exact Sciences
Classification: Uncertain significance for IFT140-related condition. Last evaluated: 2025-10-10. Review status: criteria provided, single submitter. Criteria: ACMG Guidelines, 2015. Collection method: clinical testing. Allele origin: germline.
Comment: The IFT140 c.3581A>G variant is predicted to result in the amino acid substitution p.Gln1194Arg. To our knowledge, this variant has not been reported in the literature. This variant is reported in 0.015% of alleles in individuals of Latino descent in gnomAD. Of note, at this position is an arginine (Arg) in frog and tetraodon. At this time, the clinical significance of this variant is uncertain due to the absence of conclusive functional and genetic evidence.

Ambry Genetics
Classification: Uncertain significance for Inborn genetic diseases. Last evaluated: 2025-09-24. Review status: criteria provided, single submitter. Criteria: Ambry Variant Classification Scheme 2023. Collection method: clinical testing. Allele origin: germline.

Labcorp Genetics (formerly Invitae), Labcorp
Classification: Uncertain significance for Saldino-Mainzer syndrome. Last evaluated: 2022-06-29. Review status: criteria provided, single submitter. Criteria: Invitae Variant Classification Sherloc (09022015). Collection method: clinical testing. Allele origin: germline.
Comment: This sequence change replaces glutamine, which is neutral and polar, with arginine, which is basic and polar, at codon 1194 of the IFT140 protein (p.Gln1194Arg). This variant is present in population databases (rs754978656, gnomAD 0.01%). This variant has not been reported in the literature in individuals affected with IFT140-related conditions. ClinVar contains an entry for this variant (Variation ID: 866425). Algorithms developed to predict the effect of missense changes on protein structure and function (SIFT, PolyPhen-2, Align-GVGD) all suggest that this variant is likely to be tolerated. In summary, the available evidence is currently insufficient to determine the role of this variant in disease. Therefore, it has been classified as a Variant of Uncertain Significance.

Fulgent Genetics
Classification: Uncertain significance for Saldino-Mainzer syndrome; Retinitis pigmentosa 80. Last evaluated: 2022-04-28. Review status: criteria provided, single submitter. Criteria: ACMG Guidelines, 2015. Collection method: clinical testing. Allele origin: unknown.

Blueprint Genetics
Classification: Uncertain significance. Last evaluated: 2019-02-08. Review status: criteria provided, single submitter. Criteria: ACMG Guidelines, 2015. Collection method: clinical testing. Allele origin: germline.

NM_014714.4(IFT140):c.3581A>G (p.Gln1194Arg)

Gene: IFT140 (intraflagellar transport 140; minus strand). Cytogenetic location: 16p13.3.
Variant type: single nucleotide variant.
Coding change: c.3581A>G on transcript NM_014714.4 (MANE Select); coding-DNA position 3581, A replaced by G.
Protein change: p.Gln1194Arg; replaces glutamine 1194 with arginine.
Molecular consequence: missense variant.
Genome position (GRCh38, 1-based): chr16:1,520,681, T>C on the plus strand (A>G on the coding strand, the complement: IFT140 is on the minus strand). VCF-style: chr16-1520681-T-C. GRCh37 (hg19) VCF-style: chr16-1570682-T-C.
Other names: short protein forms Q1194R.
Identifiers: ClinVar variation 866425 (VCV000866425.8), dbSNP rs754978656, ClinGen allele CA7813108.